The following is an entry in ClinVar:

NM_004817.4(TJP2):c.694dup (p.Ser232fs)

Gene: TJP2 (tight junction protein 2; plus strand). Cytogenetic location: 9q21.11.
Variant type: Duplication.
Coding change: c.694dup on transcript NM_004817.4 (MANE Select); coding-DNA position 694, one base duplicated (T; older notation c.694dupT).
Protein change: p.Ser232fs; shifts the reading frame from serine 232.
Molecular consequence: frameshift variant.
Genome position (GRCh38, 1-based): chr9:69,221,238, T duplicated. VCF-style (leftmost placement, unchanged base first): chr9-69221237-A-AT. GRCh37 (hg19) VCF-style: chr9-71836153-A-AT.
Other names: c.625dup, p.Ser209fs (NM_001170414.2, NM_001369870.1, NM_001369871.1); c.706dup, p.Ser236fs (NM_001170415.1, NM_001369874.1, NM_001369875.1); c.787dup, p.Ser263fs (NM_001170416.2); c.694dup, p.Ser232fs (NM_001369872.1, NM_001369873.1, NM_201629.3); short protein forms S263fs, S209fs, S232fs, S236fs.
Identifiers: ClinVar variation 4780663 (VCV004780663.1).

ClinVar aggregate classification (germline): Pathogenic (1 of 4 stars; one submission).

Submission:

Labcorp Genetics (formerly Invitae), Labcorp
Classification: Pathogenic. Last evaluated: 2025-07-25. Review status: criteria provided, single submitter. Criteria: Invitae Variant Classification Sherloc (09022015). Collection method: clinical testing. Allele origin: germline.
Comment: This sequence change creates a premature translational stop signal (p.Ser232Phefs*7) in the TJP2 gene. It is expected to result in an absent or disrupted protein product. Loss-of-function variants in TJP2 are known to be pathogenic (PMID: 24614073, 25921221, 28039895). This variant is not present in population databases (gnomAD no frequency). This variant has not been reported in the literature in individuals affected with TJP2-related conditions. For these reasons, this variant has been classified as Pathogenic.

Literature cited by the submitters: PubMed 24614073; PubMed 25921221; PubMed 28039895.